The following is an entry in ClinVar:

ClinVar aggregate classification (germline): Conflicting classifications of pathogenicity. Review status: criteria provided, conflicting classifications (1 of 4 stars). 5 submissions from 5 submitters: Likely pathogenic (1); Uncertain significance (3). 1 of the submissions does not count toward it. Last evaluated 2026-08-19.

Conditions:
Autosomal recessive nonsyndromic hearing loss 3. Also called: NEUROSENSORY NONSYNDROMIC RECESSIVE DEAFNESS 3. Identifiers: Orphanet 90636, MedGen C1838263, MONDO:0010860, OMIM 600316.
Monogenic hearing loss.

Allele frequency attached by ClinVar (database versions not stated): gnomAD exomes 0.00001 and 0.00002; ExAC 0.00002; gnomAD 0.00003 and 0.00005; TOPMed 0.00003; 1000 Genomes Project 30x 0.00016; 1000 Genomes Project 0.00020.
gnomAD v4.1: 23 of 1,613,662 alleles (0.0014%); highest among the groups gnomAD compares: African/African-American, 0.013%; no homozygotes.

Submissions (5):

Genetics Laboratory, Great Ormond Street Hospital NHS Foundation Trust, North Thames Genomic Laboratory Hub
Classification: Uncertain significance for Monogenic hearing loss. Last evaluated: 2026-08-19. Review status: criteria provided, single submitter. Criteria: ACGS Best Practice Guidelines for Variant Classification in Rare Disease 2024 v1.2. Collection method: clinical testing. Allele origin: germline. Affected: yes.
Comment: PM2_moderate, PM3_moderate

Blueprint Genetics
Classification: Uncertain significance. Last evaluated: 2024-10-09. Review status: criteria provided, single submitter. Criteria: ACMG Guidelines, 2015. Collection method: clinical testing. Allele origin: germline.

Fulgent Genetics
Classification: Likely pathogenic for Autosomal recessive nonsyndromic hearing loss 3. Last evaluated: 2024-01-23. Review status: criteria provided, single submitter. Criteria: ACMG Guidelines, 2015. Collection method: clinical testing. Allele origin: germline.

GeneDx
Classification: Uncertain significance. Last evaluated: 2023-11-28. Review status: criteria provided, single submitter. Criteria: GeneDx Variant Classification Process June 2021. Collection method: clinical testing. Allele origin: germline. Affected: yes.
Comment: Reported with a second variant in two siblings with congenital hearing loss in published literature (PMID: 24105371); Not observed at significant frequency in large population cohorts (gnomAD); In silico analysis supports that this missense variant does not alter protein structure/function; This variant is associated with the following publications: (PMID: 31589614, 32747562, 27375115, 24105371)

Hereditary Research Laboratory, Bethlehem University
Classification: Pathogenic for Autosomal recessive nonsyndromic hearing loss 3. Last evaluated: 2016-06-04. Review status: no assertion criteria provided. Collection method: research. Allele origin: germline. Affected: yes. Not counted in ClinVar's aggregate classification.
Comment: no audiograms

NM_016239.4(MYO15A):c.1223C>T (p.Ala408Val)

Gene: MYO15A (myosin XVA; plus strand). Cytogenetic location: 17p11.2.
Variant type: single nucleotide variant.
Coding change: c.1223C>T on transcript NM_016239.4 (MANE Select); coding-DNA position 1223, C replaced by T.
Protein change: p.Ala408Val; replaces alanine 408 with valine.
Molecular consequence: missense variant.
Genome position (GRCh38, 1-based): chr17:18,120,023, C>T. VCF-style: chr17-18120023-C-T. GRCh37 (hg19) VCF-style: chr17-18023337-C-T.
Other names: short protein forms A408V.
Identifiers: ClinVar variation 402261 (VCV000402261.5), dbSNP rs191710555, ClinGen allele CA8423057.